The following is an entry in ClinVar:

ClinVar aggregate classification (germline): Uncertain significance. Review status: criteria provided, single submitter (1 of 4 stars). 2 submissions from 2 submitters: Uncertain significance (1). 1 of the submissions does not count toward it. Last evaluated 2025-04-25.

Conditions:
Inborn genetic diseases. Identifiers: MedGen C0950123, MeSH D030342.
SLC26A1-related disorder. Also called: SLC26A1-related condition.

Allele frequency attached by ClinVar (database versions not stated): TOPMed 0.00003; gnomAD 0.00005.
gnomAD v4.1: 54 of 1,562,218 alleles (0.0035%); highest among the groups gnomAD compares: Non-Finnish European, 0.0042%; no homozygotes.

Submissions (2):

Ambry Genetics
Classification: Uncertain significance for Inborn genetic diseases. Last evaluated: 2025-04-25. Review status: criteria provided, single submitter. Criteria: Ambry Variant Classification Scheme 2023. Collection method: clinical testing. Allele origin: germline.

PreventionGenetics, part of Exact Sciences
Classification: Uncertain significance for SLC26A1-related condition. Last evaluated: 2024-06-02. Review status: no assertion criteria provided. Collection method: clinical testing. Allele origin: germline. Not counted in ClinVar's aggregate classification.
Comment: The SLC26A1 c.1403C>T variant is predicted to result in the amino acid substitution p.Pro468Leu. To our knowledge, this variant has not been reported in the literature. This variant is reported in 0.0046% of alleles in individuals of European (Non-Finnish) descent in gnomAD. At this time, the clinical significance of this variant is uncertain due to the absence of conclusive functional and genetic evidence.

NM_022042.4(SLC26A1):c.1403C>T (p.Pro468Leu)

Genes: IDUA (alpha-L-iduronidase; plus strand), SLC26A1 (solute carrier family 26 member 1; minus strand). Cytogenetic location: 4p16.3.
Variant type: single nucleotide variant.
Coding change: c.1403C>T on transcript NM_022042.4 (MANE Select); coding-DNA position 1403, C replaced by T.
Protein change: p.Pro468Leu; replaces proline 468 with leucine.
Molecular consequence: missense variant. On other transcripts: intron variant (2).
Genome position (GRCh38, 1-based): chr4:989,536, G>A on the plus strand (C>T on the coding strand, the complement: SLC26A1 is on the minus strand). VCF-style: chr4-989536-G-A. GRCh37 (hg19) VCF-style: chr4-983324-G-A.
Other names: c.1403C>T (NM_022042.3); c.1403C>T, p.Pro468Leu (NM_213613.4); c.576+1592C>T (NM_134425.4); c.299+1587G>A (NM_000203.5); short protein forms P468L.
Identifiers: ClinVar variation 2395736 (VCV002395736.4), dbSNP rs923099050, ClinGen allele CA91147685.
Genomic context (GRCh38, chr4:989,536, plus strand): 5'-GCCTCTGTGCTGACCAGCATACAGGTGGCCGCGGTGCCTGCCCAGACCAGCGCGTCAGCC[G>A]GGCTCATCCGCCACAGCCGCGGGAGGTCCCACACCTTGCGCAGGGCCCCCCGCAGGCTGA-3'
Protein context (NP_071325.2, residues 458-478): WDLPRLWRMS[Pro468Leu]ADALVWAGTA